The following is an entry in ClinVar:

ClinVar aggregate classification (germline): Uncertain significance (1 of 4 stars; one submission).

Conditions:
DICER1-related tumor predisposition. Also called: DICER1 syndrome; DICER1-related pleuropulmonary blastoma cancer predisposition syndrome. Identifiers: Orphanet 284343, MedGen C3839822, MONDO:0100216.

Submission:

Labcorp Genetics (formerly Invitae), Labcorp
Classification: Uncertain significance for DICER1-related tumor predisposition. Last evaluated: 2019-10-01. Review status: criteria provided, single submitter. Criteria: Invitae Variant Classification Sherloc (09022015). Collection method: clinical testing. Allele origin: germline.
Comment: In summary, the available evidence is currently insufficient to determine the role of this variant in disease. Therefore, it has been classified as a Variant of Uncertain Significance. Experimental studies and prediction algorithms are not available or were not evaluated, and the functional significance of this variant is currently unknown. This variant has not been reported in the literature in individuals with DICER1-related conditions. This variant is not present in population databases (ExAC no frequency). This variant, c.4249_4263del, results in the deletion of 5 amino acid(s) of the DICER1 protein (p.Tyr1417_Asp1421del), but otherwise preserves the integrity of the reading frame.

NM_177438.3(DICER1):c.4249_4263del (p.Tyr1417_Asp1421del)

Gene: DICER1 (dicer 1, ribonuclease III; minus strand). Cytogenetic location: 14q32.13.
Variant type: Deletion.
Coding change: c.4249_4263del on transcript NM_177438.3 (MANE Select); coding-DNA positions 4249 to 4263, 15 bases deleted (TACGAGGAGGAGGAT).
Protein change: p.Tyr1417_Asp1421del.
Molecular consequence: inframe deletion.
Genome position (GRCh38, 1-based): chr14:95,096,657-95,096,671, ATCCTCCTCCTCGTA deleted on the plus strand (TACGAGGAGGAGGAT on the coding strand, the reverse complement: DICER1 is on the minus strand); deleting any 15 consecutive bases within chr14:95,096,657-95,096,677 gives the same sequence; the c. name uses the placement nearest the transcript's 3' end. VCF-style (leftmost placement, unchanged base first): chr14-95096656-CATCCTCCTCCTCGTA-C. GRCh37 (hg19) VCF-style: chr14-95562993-CATCCTCCTCCTCGTA-C.
Other names: c.4249_4263del, p.Tyr1417_Asp1421del (NM_001195573.1, NM_001271282.3, NM_001291628.2 and 1 more transcripts).
Identifiers: ClinVar variation 963370 (VCV000963370.11), dbSNP rs1890378285, ClinGen allele CA1139663704.